The following is an entry in ClinVar:

ClinVar aggregate classification (germline): Benign/Likely benign. Review status: criteria provided, multiple submitters, no conflicts (2 of 4 stars). 2 submissions from 2 submitters: Benign (1); Likely benign (1). Last evaluated 2026-04-01.

Allele frequency attached by ClinVar (database versions not stated): ExAC 0.00001; gnomAD 0.00001; gnomAD exomes 0.00001; 1000 Genomes Project 30x 0.00016; 1000 Genomes Project 0.00020.
gnomAD v4.1: 4 of 1,614,124 alleles (0.00025%); highest among the groups gnomAD compares: Admixed American, 0.0067%; no homozygotes.

Submissions (2):

CeGaT Center for Human Genetics Tuebingen
Classification: Likely benign. Last evaluated: 2026-04-01. Review status: criteria provided, single submitter. Criteria: CeGaT Center For Human Genetics Tuebingen Variant Classification Criteria Version 2. Collection method: clinical testing. Allele origin: germline. Affected: yes. Observed: 1 variant allele.
Comment: HIVEP2: BP4, BP7

Labcorp Genetics (formerly Invitae), Labcorp
Classification: Benign. Last evaluated: 2022-07-17. Review status: criteria provided, single submitter. Criteria: Invitae Variant Classification Sherloc (09022015). Collection method: clinical testing. Allele origin: germline.

NM_006734.4(HIVEP2):c.6141T>C (p.Ser2047=)

Gene: HIVEP2 (HIVEP zinc finger 2; minus strand). Cytogenetic location: 6q24.2.
Variant type: single nucleotide variant.
Coding change: c.6141T>C on transcript NM_006734.4 (MANE Select); coding-DNA position 6141, T replaced by C.
Protein change: p.Ser2047=; no amino-acid change (serine 2047 retained).
Molecular consequence: synonymous variant.
Genome position (GRCh38, 1-based): chr6:142,760,147, A>G on the plus strand (T>C on the coding strand, the complement: HIVEP2 is on the minus strand). VCF-style: chr6-142760147-A-G. GRCh37 (hg19) VCF-style: chr6-143081284-A-G.
Identifiers: ClinVar variation 1984830 (VCV001984830.6), dbSNP rs537107324, ClinGen allele CA4027730.